The following is an entry in ClinVar:

ClinVar aggregate classification (germline): Uncertain significance (1 of 4 stars; one submission).

Conditions:
Familial hyperparathyroidism or Hypocalciuric hypercalcaemia.

Submission:

Cambridge Genomics Laboratory, East Genomic Laboratory Hub, NHS Genomic Medicine Service
Classification: Uncertain significance for Familial hyperparathyroidism or Hypocalciuric hypercalcaemia. Last evaluated: 2024-11-07. Review status: criteria provided, single submitter. Criteria: ACGS Best Practice Guidelines for Variant Classification in Rare Disease 2020. Collection method: clinical testing. Allele origin: germline. Affected: yes.
Comment: PM2,PP2,PP3

NM_000388.4(CASR):c.2186T>A (p.Phe729Tyr)

Gene: CASR (calcium sensing receptor; plus strand). Cytogenetic location: 3q21.1.
Variant type: single nucleotide variant.
Coding change: c.2186T>A on transcript NM_000388.4 (MANE Select); coding-DNA position 2186, T replaced by A.
Protein change: p.Phe729Tyr; replaces phenylalanine 729 with tyrosine.
Molecular consequence: missense variant.
Genome position (GRCh38, 1-based): chr3:122,284,140, T>A. VCF-style: chr3-122284140-T-A. GRCh37 (hg19) VCF-style: chr3-122002987-T-A.
Other names: c.2216T>A, p.Phe739Tyr (NM_001178065.2); short protein forms F729Y, F739Y.
Identifiers: ClinVar variation 4682127 (VCV004682127.1).